The following is an entry in ClinVar:

ClinVar aggregate classification (germline): Uncertain significance (1 of 4 stars; one submission).

Submission:

Labcorp Genetics (formerly Invitae), Labcorp
Classification: Uncertain significance. Last evaluated: 2024-06-25. Review status: criteria provided, single submitter. Criteria: Invitae Variant Classification Sherloc (09022015). Collection method: clinical testing. Allele origin: germline.
Comment: This sequence change replaces leucine, which is neutral and non-polar, with proline, which is neutral and non-polar, at codon 576 of the TRPV6 protein (p.Leu576Pro). This variant is not present in population databases (gnomAD no frequency). This variant has not been reported in the literature in individuals affected with TRPV6-related conditions. Experimental studies and prediction algorithms are not available or were not evaluated, and the functional significance of this variant is currently unknown. In summary, the available evidence is currently insufficient to determine the role of this variant in disease. Therefore, it has been classified as a Variant of Uncertain Significance.

NM_018646.6(TRPV6):c.1727T>C (p.Leu576Pro)

Gene: TRPV6 (transient receptor potential cation channel subfamily V member 6; minus strand). Cytogenetic location: 7q34.
Variant type: single nucleotide variant.
Coding change: c.1727T>C on transcript NM_018646.6 (MANE Select); coding-DNA position 1727, T replaced by C.
Protein change: p.Leu576Pro; replaces leucine 576 with proline.
Molecular consequence: missense variant.
Genome position (GRCh38, 1-based): chr7:142,873,629, A>G on the plus strand (T>C on the coding strand, the complement: TRPV6 is on the minus strand). VCF-style: chr7-142873629-A-G. GRCh37 (hg19) VCF-style: chr7-142571382-A-G.
Other names: short protein forms L576P.
Identifiers: ClinVar variation 3657768 (VCV003657768.2).